The following is an entry in ClinVar:

ClinVar aggregate classification (germline): Conflicting classifications of pathogenicity. Review status: criteria provided, conflicting classifications (1 of 4 stars). 3 submissions from 3 submitters: Likely pathogenic (1); Benign (1). 1 of the submissions does not count toward it. Last evaluated 2024-03-06.

Conditions:
Male infertility. Identifiers: MedGen C0021364, MeSH D007248, MONDO:0005372, HP:0003251.
AR-related disorder. Also called: AR-related condition.
Kennedy disease (SMAX1). Also called: SPINAL AND BULBAR MUSCULAR ATROPHY, X-LINKED 1; KENNEDY SPINAL AND BULBAR MUSCULAR ATROPHY; Spinal and Bulbar Muscular Atrophy. Identifiers: Orphanet 481, MedGen C1839259, MONDO:0010735, OMIM 313200.
Androgen resistance syndrome (AIS). Also called: DHTR DEFICIENCY; DIHYDROTESTOSTERONE RECEPTOR DEFICIENCY; ANDROGEN RECEPTOR DEFICIENCY; TESTICULAR FEMINIZATION SYNDROME; Androgen insensitivity syndrome; Androgen insensitivity. Identifiers: Orphanet 754, Orphanet 99429, MedGen C0039585, MONDO:0019154, OMIM 300068. Disease mechanism: loss of function.

Allele frequency attached by ClinVar (database versions not stated): ESP Exome Variant Server 0.00009; gnomAD 0.00009; TOPMed 0.00011; ExAC 0.00014; gnomAD exomes 0.00016; 1000 Genomes Project 30x 0.00021.
gnomAD v4.1: 183 of 1,209,391 alleles (0.015%); highest among the groups gnomAD compares: Non-Finnish European, 0.017%; no homozygotes.

Submissions (3):

Labcorp Genetics (formerly Invitae), Labcorp
Classification: Benign for Kennedy disease; Androgen resistance syndrome. Last evaluated: 2024-03-06. Review status: criteria provided, single submitter. Criteria: Invitae Variant Classification Sherloc (09022015). Collection method: clinical testing. Allele origin: germline.

Institute of Reproductive Genetics, University of Münster
Classification: Likely pathogenic for Male infertility. Last evaluated: 2024-01-16. Review status: criteria provided, single submitter. Criteria: Uk Practice Guidelines For Variant Classification V4 01 2020. Collection method: research, in vitro. Allele origin: germline, not applicable. Observed: 1 variant allele, 1 hemizygote.

PreventionGenetics, part of Exact Sciences
Classification: Likely benign for AR-related condition. Last evaluated: 2022-07-13. Review status: no assertion criteria provided. Collection method: clinical testing. Allele origin: germline. Not counted in ClinVar's aggregate classification.
Comment: This variant is classified as likely benign based on ACMG/AMP sequence variant interpretation guidelines (Richards et al. 2015 PMID: 25741868, with internal and published modifications).

NM_000044.6(AR):c.2481C>A (p.Phe827Leu)

Gene: AR (androgen receptor; plus strand). Cytogenetic location: Xq12.
Variant type: single nucleotide variant.
Coding change: c.2481C>A on transcript NM_000044.6 (MANE Select); coding-DNA position 2481, C replaced by A.
Protein change: p.Phe827Leu; replaces phenylalanine 827 with leucine.
Molecular consequence: missense variant.
Genome position (GRCh38, 1-based): chrX:67,722,858, C>A. VCF-style: chrX-67722858-C-A. GRCh37 (hg19) VCF-style: chrX-66942700-C-A.
Other names: c.2481C>A (NM_000044.3); c.885C>A, p.Phe295Leu (NM_001011645.3); c.2484C>A, p.Phe828Leu (NM_001424175.1); short protein forms F295L, F827L, F828L.
Identifiers: ClinVar variation 2932347 (VCV002932347.5), dbSNP rs200801099, ClinGen allele CA10436663.